The following is an entry in ClinVar:

NM_018896.5(CACNA1G):c.6007G>A (p.Asp2003Asn)

Gene: CACNA1G (calcium voltage-gated channel subunit alpha1 G; plus strand). Cytogenetic location: 17q21.33.
Variant type: single nucleotide variant.
Coding change: c.6007G>A on transcript NM_018896.5 (MANE Select); coding-DNA position 6007, G replaced by A.
Protein change: p.Asp2003Asn; replaces aspartic acid 2003 with asparagine.
Molecular consequence: missense variant. On other transcripts: intron variant (24).
Genome position (GRCh38, 1-based): chr17:50,621,741, G>A. VCF-style: chr17-50621741-G-A. GRCh37 (hg19) VCF-style: chr17-48699102-G-A.
Other names: c.5974G>A, p.Asp1992Asn (NM_198377.3); c.5794G>A, p.Asp1932Asn (NM_198383.3); c.5905G>A, p.Asp1969Asn (NM_198396.3); c.5803-2166G>A (NM_001256325.2); c.5892+1915G>A (NM_198380.3); c.5749-2166G>A (NM_198378.3, NM_001256334.2); c.5925+1915G>A (NM_198385.3); c.5782-2166G>A (NM_198384.3, NM_001256333.2); and 15 more; short protein forms D1932N, D1969N, D1992N, D2003N.
Identifiers: ClinVar variation 3634746 (VCV003634746.2).
Genomic context (GRCh38, chr17:50,621,741, plus strand): 5'-GCTCTGTCTCTGACGTCAGAGATTGTGTCTGAACCGTCCTGCTCTCTAGCTCTGACGGAT[G>A]ACTCTTTGCCTGATGACATGCACACACTCTTACTTAGTGCCCTGGAGAGCAATGTACATA-3'
Protein context (NP_061496.2, residues 1993-2013): EPSCSLALTD[Asp2003Asn]SLPDDMHTLL

ClinVar aggregate classification (germline): Uncertain significance (1 of 4 stars; one submission).

gnomAD v4.1: 2 of 1,613,998 alleles (0.00012%); highest among the groups gnomAD compares: Non-Finnish European, 0.00017%; no homozygotes.

Submission:

Labcorp Genetics (formerly Invitae), Labcorp
Classification: Uncertain significance. Last evaluated: 2025-07-28. Review status: criteria provided, single submitter. Criteria: Invitae Variant Classification Sherloc (09022015). Collection method: clinical testing. Allele origin: germline.
Comment: This sequence change replaces aspartic acid, which is acidic and polar, with asparagine, which is neutral and polar, at codon 2003 of the CACNA1G protein (p.Asp2003Asn). This variant is not present in population databases (gnomAD no frequency). This variant has not been reported in the literature in individuals affected with CACNA1G-related conditions. ClinVar contains an entry for this variant (Variation ID: 3634746). Invitae Evidence Modeling of protein sequence and biophysical properties (such as structural, functional, and spatial information, amino acid conservation, physicochemical variation, residue mobility, and thermodynamic stability) indicates that this missense variant is not expected to disrupt CACNA1G protein function with a negative predictive value of 95%. In summary, the available evidence is currently insufficient to determine the role of this variant in disease. Therefore, it has been classified as a Variant of Uncertain Significance.